The following is an entry in ClinVar:

NM_032119.4(ADGRV1):c.1522A>C (p.Ile508Leu)

Gene: ADGRV1 (adhesion G protein-coupled receptor V1; plus strand). Cytogenetic location: 5q14.3.
Variant type: single nucleotide variant.
Coding change: c.1522A>C on transcript NM_032119.4 (MANE Select); coding-DNA position 1522, A replaced by C.
Protein change: p.Ile508Leu; replaces isoleucine 508 with leucine.
Molecular consequence: missense variant. On other transcripts: non-coding transcript variant (1).
Genome position (GRCh38, 1-based): chr5:90,629,222, A>C. VCF-style: chr5-90629222-A-C. GRCh37 (hg19) VCF-style: chr5-89925039-A-C.
Other names: short protein forms I508L.
Identifiers: ClinVar variation 163563 (VCV000163563.70), dbSNP rs61744480, ClinGen allele CA176186.

ClinVar aggregate classification (germline): Conflicting classifications of pathogenicity. Review status: criteria provided, conflicting classifications (1 of 4 stars). 11 submissions from 11 submitters: Uncertain significance (3); Benign (1); Likely benign (6). 1 of the submissions does not count toward it. Last evaluated 2026-01-30.

Conditions:
ADGRV1-related disorder. Also called: ADGRV1-related condition; ADGRV1-related disorders.
Retinal dystrophy. Also called: Inherited retinal dystrophy. Identifiers: Orphanet 71862, MedGen C0854723, MeSH D058499, MONDO:0019118, HP:0000556.
Usher syndrome type 2C. Also called: Usher syndrome, type 2B; USHER SYNDROME, TYPE IIC. Identifiers: Orphanet 231178, Orphanet 886, MedGen C2931213, MONDO:0011558, OMIM 605472.

Allele frequency attached by ClinVar (database versions not stated): 1000 Genomes Project 30x 0.00062; 1000 Genomes Project 0.00080; TOPMed 0.00172; gnomAD 0.00177 and 0.00184; ESP Exome Variant Server 0.00212; gnomAD exomes 0.00214 and 0.00219; ExAC 0.00261.
gnomAD v4.1: 3,413 of 1,572,574 alleles (0.22%); highest among the groups gnomAD compares: Middle Eastern, 0.56%; 4 homozygotes.

Submissions (11):

Labcorp Genetics (formerly Invitae), Labcorp
Classification: Likely benign. Last evaluated: 2026-01-30. Review status: criteria provided, single submitter. Criteria: Invitae Variant Classification Sherloc (09022015). Collection method: clinical testing. Allele origin: germline.

CeGaT Center for Human Genetics Tuebingen
Classification: Likely benign. Last evaluated: 2025-11-01. Review status: criteria provided, single submitter. Criteria: CeGaT Center For Human Genetics Tuebingen Variant Classification Criteria Version 2. Collection method: clinical testing. Allele origin: germline. Affected: yes. Observed: 9 variant alleles.
Comment: ADGRV1: BS2

Blueprint Genetics
Classification: Likely benign. Last evaluated: 2024-11-26. Review status: criteria provided, single submitter. Criteria: ACMG Guidelines, 2015. Collection method: clinical testing. Allele origin: germline.

Women's Health and Genetics/Laboratory Corporation of America, LabCorp
Classification: Likely benign. Last evaluated: 2024-04-09. Review status: criteria provided, single submitter. Criteria: LabCorp Variant Classification Summary - May 2015. Collection method: clinical testing. Allele origin: germline.

Institute of Human Genetics, Univ. Regensburg, Univ. Regensburg
Classification: Uncertain significance for Retinal dystrophy. Last evaluated: 2023-01-01. Review status: criteria provided, single submitter. Criteria: ACMG Guidelines, 2015. Collection method: clinical testing. Allele origin: germline. Affected: yes.

GeneDx
Classification: Likely benign. Last evaluated: 2022-01-17. Review status: criteria provided, single submitter. Criteria: GeneDx Variant Classification Process June 2021. Collection method: clinical testing. Allele origin: germline. Affected: yes.
Comment: This variant is associated with the following publications: (PMID: 30180840, 26969326)

Athena Diagnostics
Classification: Uncertain significance. Last evaluated: 2018-12-29. Review status: criteria provided, single submitter. Criteria: Athena Diagnostics Criteria. Collection method: clinical testing. Allele origin: germline.

Illumina Laboratory Services, Illumina
Classification: Uncertain significance for Usher syndrome type 2C. Last evaluated: 2018-01-12. Review status: criteria provided, single submitter. Criteria: ICSL Variant Classification Criteria 13 December 2019. Collection method: clinical testing. Allele origin: germline.

Eurofins Ntd Llc (ga)
Classification: Likely benign. Last evaluated: 2015-02-03. Review status: criteria provided, single submitter. Criteria: EGL Classification Definitions 2015. Collection method: clinical testing. Allele origin: germline. Observed: 1 variant allele, 1 heterozygote.

Laboratory for Molecular Medicine, Mass General Brigham Personalized Medicine
Classification: Benign. Last evaluated: 2012-04-30. Review status: criteria provided, single submitter. Criteria: LMM Criteria. Collection method: clinical testing. Allele origin: germline. Observed: 7 variant alleles.
Comment: Ile508Leu in Exon 09 of GPR98: This variant is not expected to have clinical sig nificance because it has been identified in 0.4% (24/6556) of European American chromosomes from a broad population by the NHLBI Exome Sequencing Project (dbSNP rs61744480).

PreventionGenetics, part of Exact Sciences
Classification: Likely benign for ADGRV1-related condition. Last evaluated: 2024-09-17. Review status: no assertion criteria provided. Collection method: clinical testing. Allele origin: germline. Not counted in ClinVar's aggregate classification.
Comment: This variant is classified as likely benign based on ACMG/AMP sequence variant interpretation guidelines (Richards et al. 2015 PMID: 25741868, with internal and published modifications).

Literature cited by the submitters: PubMed 26969326 (cited by Institute of Human Genetics, Univ. Regensburg, Univ. Regensburg); PubMed 30180840 (cited by Institute of Human Genetics, Univ. Regensburg, Univ. Regensburg); PubMed 34426522 (cited by Institute of Human Genetics, Univ. Regensburg, Univ. Regensburg).